The following is an entry in ClinVar:

NM_001987.5(ETV6):c.155C>T (p.Ala52Val)

Gene: ETV6 (ETS variant transcription factor 6; plus strand). Cytogenetic location: 12p13.2.
Variant type: single nucleotide variant.
Coding change: c.155C>T on transcript NM_001987.5 (MANE Select); coding-DNA position 155, C replaced by T.
Protein change: p.Ala52Val; replaces alanine 52 with valine.
Molecular consequence: missense variant. On other transcripts: intron variant (1).
Genome position (GRCh38, 1-based): chr12:11,752,571, C>T. VCF-style: chr12-11752571-C-T. GRCh37 (hg19) VCF-style: chr12-11905505-C-T.
Other names: c.152C>T, p.Ala51Val (NM_001413913.1); c.128C>T, p.Ala43Val (NM_001413914.1); c.155C>T, p.Ala52Val (NM_001413916.1, NM_001413917.1, NM_001413918.1); c.-101-86569C>T (NM_001413915.1); short protein forms A43V, A51V, A52V.
Identifiers: ClinVar variation 2582064 (VCV002582064.7), dbSNP rs774396176, ClinGen allele CA6454128.
Genomic context (GRCh38, chr12:11,752,571, plus strand): 5'-CACTTCATGTTCCAGTGCCTCGAGCGCTCAGGATGGAGGAAGACTCGATCCGCCTGCCTG[C>T]GCACCTGCGTGAGTGTTCGTGACCCGAGAGGGACAGAGGATTGATGGCGTGGGGCGGGGG-3'
Protein context (NP_001978.1, residues 42-62): RMEEDSIRLP[Ala52Val]HLRLQPIYWS

ClinVar aggregate classification (germline): Conflicting classifications of pathogenicity. Review status: criteria provided, conflicting classifications (1 of 4 stars). 4 submissions from 4 submitters: Uncertain significance (3); Likely benign (1). Last evaluated 2026-02-02.

Conditions:
Inborn genetic diseases. Identifiers: MedGen C0950123, MeSH D030342.

Allele frequency attached by ClinVar (database versions not stated): ExAC 0.00001; TOPMed 0.00003.
gnomAD v4.1: 50 of 1,611,998 alleles (0.0031%); highest among the groups gnomAD compares: African/African-American, 0.016%; no homozygotes.

Submissions (4):

Labcorp Genetics (formerly Invitae), Labcorp
Classification: Uncertain significance. Last evaluated: 2026-02-02. Review status: criteria provided, single submitter. Criteria: Invitae Variant Classification Sherloc (09022015). Collection method: clinical testing. Allele origin: germline.
Comment: This sequence change replaces alanine, which is neutral and non-polar, with valine, which is neutral and non-polar, at codon 52 of the ETV6 protein (p.Ala52Val). This variant is present in population databases (rs774396176, gnomAD 0.008%). This variant has not been reported in the literature in individuals affected with ETV6-related conditions. ClinVar contains an entry for this variant (Variation ID: 2582064). Invitae Evidence Modeling of protein sequence and biophysical properties (such as structural, functional, and spatial information, amino acid conservation, physicochemical variation, residue mobility, and thermodynamic stability) indicates that this missense variant is not expected to disrupt ETV6 protein function with a negative predictive value of 80%. In summary, the available evidence is currently insufficient to determine the role of this variant in disease. Therefore, it has been classified as a Variant of Uncertain Significance.

Women's Health and Genetics/Laboratory Corporation of America, LabCorp
Classification: Uncertain significance. Last evaluated: 2025-12-29. Review status: criteria provided, single submitter. Criteria: LabCorp Variant Classification Summary - May 2015. Collection method: clinical testing. Allele origin: germline.
Comment: Variant summary: ETV6 c.155C>T (p.Ala52Val) results in a non-conservative amino acid change located in the Pointed domain of the encoded protein sequence. Algorithms developed to predict the effect of missense changes on protein structure and function are either unavailable or do not agree on the potential impact of this missense change. The variant allele was found at a frequency of 1.6e-05 in 249576 control chromosomes. The available data on variant occurrences in the general population are insufficient to allow any conclusion about variant significance. To our knowledge, no occurrence of c.155C>T in individuals affected with ETV6-related conditions and no experimental evidence demonstrating its impact on protein function have been reported. ClinVar contains an entry for this variant (Variation ID: 2582064). Based on the evidence outlined above, the variant was classified as uncertain significance.

Ambry Genetics
Classification: Likely benign for Inborn genetic diseases. Last evaluated: 2025-04-28. Review status: criteria provided, single submitter. Criteria: Ambry Variant Classification Scheme 2023. Collection method: clinical testing. Allele origin: germline.

GeneDx
Classification: Uncertain significance. Last evaluated: 2024-09-26. Review status: criteria provided, single submitter. Criteria: GeneDx Variant Classification Process June 2021. Collection method: clinical testing. Allele origin: germline. Affected: yes.
Comment: In silico analysis supports that this missense variant has a deleterious effect on protein structure/function; Has not been previously published as pathogenic or benign to our knowledge

Literature cited by the submitters: PubMed 21680795 (cited by Women's Health and Genetics/Laboratory Corporation of America, LabCorp); PubMed 21714648 (cited by Women's Health and Genetics/Laboratory Corporation of America, LabCorp); PubMed 15806161 (cited by Women's Health and Genetics/Laboratory Corporation of America, LabCorp); PubMed 24904105 (cited by Women's Health and Genetics/Laboratory Corporation of America, LabCorp); PubMed 18305557 (cited by Women's Health and Genetics/Laboratory Corporation of America, LabCorp); PubMed 26102509 (cited by Women's Health and Genetics/Laboratory Corporation of America, LabCorp); PubMed 9694803 (cited by Women's Health and Genetics/Laboratory Corporation of America, LabCorp); PubMed 24997145 (cited by Women's Health and Genetics/Laboratory Corporation of America, LabCorp); PubMed 26522332 (cited by Women's Health and Genetics/Laboratory Corporation of America, LabCorp); PubMed 27895058 (cited by Women's Health and Genetics/Laboratory Corporation of America, LabCorp).